The following is an entry in ClinVar:

NM_005076.5(CNTN2):c.1241C>T (p.Ala414Val)

Gene: CNTN2 (contactin 2; plus strand). Cytogenetic location: 1q32.1.
Variant type: single nucleotide variant.
Coding change: c.1241C>T on transcript NM_005076.5 (MANE Select); coding-DNA position 1241, C replaced by T.
Protein change: p.Ala414Val; replaces alanine 414 with valine.
Molecular consequence: missense variant. On other transcripts: non-coding transcript variant (1).
Genome position (GRCh38, 1-based): chr1:205,064,322, C>T. VCF-style: chr1-205064322-C-T. GRCh37 (hg19) VCF-style: chr1-205033450-C-T.
Other names: c.1241C>T, p.Ala414Val (NM_001346083.2); short protein forms A414V.
Identifiers: ClinVar variation 1370439 (VCV001370439.8), dbSNP rs1654151236, ClinGen allele CA344374672.

ClinVar aggregate classification (germline): Uncertain significance (1 of 4 stars; one submission).

Conditions:
Epilepsy, familial adult myoclonic, 5 (EPEO5). Also called: CORTICAL MYOCLONIC TREMOR WITH EPILEPSY, FAMILIAL, 5. Identifiers: Orphanet 86814, MedGen C3809374, MONDO:0014167, OMIM 615400.

Allele frequency attached by ClinVar (database versions not stated): gnomAD 0.00001; gnomAD exomes 0.00002.

Submission:

Labcorp Genetics (formerly Invitae), Labcorp
Classification: Uncertain significance for Epilepsy, familial adult myoclonic, 5. Last evaluated: 2021-02-07. Review status: criteria provided, single submitter. Criteria: Invitae Variant Classification Sherloc (09022015). Collection method: clinical testing. Allele origin: germline.
Comment: This sequence change replaces alanine with valine at codon 414 of the CNTN2 protein (p.Ala414Val). The alanine residue is highly conserved and there is a small physicochemical difference between alanine and valine. In summary, the available evidence is currently insufficient to determine the role of this variant in disease. Therefore, it has been classified as a Variant of Uncertain Significance. Algorithms developed to predict the effect of missense changes on protein structure and function are either unavailable or do not agree on the potential impact of this missense change (SIFT: "Deleterious"; PolyPhen-2: "Benign"; Align-GVGD: "Class C15"). This variant has not been reported in the literature in individuals with CNTN2-related conditions. This variant is not present in population databases (ExAC no frequency).